The following is an entry in ClinVar:

NM_001126108.2(SLC12A3):c.2872A>T (p.Arg958Trp)

Gene: SLC12A3 (solute carrier family 12 member 3; plus strand). Cytogenetic location: 16q13.
Variant type: single nucleotide variant.
Coding change: c.2872A>T on transcript NM_001126108.2 (MANE Select); coding-DNA position 2872, A replaced by T.
Protein change: p.Arg958Trp; replaces arginine 958 with tryptophan.
Molecular consequence: missense variant.
Genome position (GRCh38, 1-based): chr16:56,904,410, A>T. VCF-style: chr16-56904410-A-T. GRCh37 (hg19) VCF-style: chr16-56938322-A-T.
Other names: c.2899A>T, p.Arg967Trp (NM_000339.3); c.2896A>T, p.Arg966Trp (NM_001126107.2); short protein forms R958W, R966W, R967W.
Identifiers: ClinVar variation 1684166 (VCV001684166.6), dbSNP rs773428143, ClinGen allele CA396002276.

ClinVar aggregate classification (germline): Conflicting classifications of pathogenicity. Review status: criteria provided, conflicting classifications (1 of 4 stars). 4 submissions from 4 submitters: Likely pathogenic (3); Uncertain significance (1). Last evaluated 2025-07-25.

Conditions:
Familial hypokalemia-hypomagnesemia (GTLMNS). Also called: gitelman syndrome; HYPOMAGNESEMIA-HYPOKALEMIA, PRIMARY RENOTUBULAR, WITH HYPOCALCIURIA; POTASSIUM AND MAGNESIUM DEPLETION. Identifiers: Orphanet 358, MedGen C0268450, MONDO:0009904, OMIM 263800.
Inborn genetic diseases. Identifiers: MedGen C0950123, MeSH D030342.

gnomAD v4.1: 9 of 1,613,958 alleles (0.00056%); highest among the groups gnomAD compares: Non-Finnish European, 0.00068%; no homozygotes.

Submissions (4):

Natera, Inc.
Classification: Likely pathogenic for Gitelman syndrome. Last evaluated: 2025-07-25. Review status: criteria provided, single submitter. Criteria: Natera Variant Classification Schema (03/2026). Collection method: clinical testing. Allele origin: germline.
Comment: The c.2899A>T variant in SLC12A3 is a missense variant predicted to cause substitution of arginine to tryptophan at amino acid 967. This variant is rare in the general population with a frequency below the threshold expected for the associated phenotype(s). This variant has been observed in one or more individuals affected with the associated recessive disease, as either homozygous or compound heterozygous with a second variant (PMID: 21342329). A different variant at the same position has been determined to be Pathogenic or Likely Pathogenic. Computational prediction algorithms indicate this variant is likely to affect gene or protein function. Given the available evidence, this variant is classified as Likely Pathogenic.

Fulgent Genetics
Classification: Likely pathogenic for Familial hypokalemia-hypomagnesemia. Last evaluated: 2024-05-16. Review status: criteria provided, single submitter. Criteria: ACMG Guidelines, 2015. Collection method: clinical testing. Allele origin: germline.

Ambry Genetics
Classification: Uncertain significance for Inborn genetic diseases. Last evaluated: 2023-08-08. Review status: criteria provided, single submitter. Criteria: Ambry Variant Classification Scheme 2023. Collection method: clinical testing. Allele origin: germline.

European Hospital Georges Pompidou Genetics Department, Assistance Publique - Hôpitaux de Paris AP-HP
Classification: Likely pathogenic for Familial hypokalemia-hypomagnesemia. Last evaluated: 2022-04-27. Review status: criteria provided, single submitter. Criteria: ACMG Guidelines, 2015. Collection method: clinical testing. Allele origin: germline. Affected: yes.
Comment: ACMG criteria used:PM1 PM2 PM5 PP3

Literature cited by the submitters: PubMed 21342329 (cited by Natera, Inc.).